The following is an entry in ClinVar:

ClinVar aggregate classification (germline): Uncertain significance. Review status: criteria provided, multiple submitters, no conflicts (2 of 4 stars). 3 submissions from 3 submitters: Uncertain significance (3). Last evaluated 2025-08-26.

Conditions:
Inborn genetic diseases. Identifiers: MedGen C0950123, MeSH D030342.
Charcot-Marie-Tooth disease axonal type 2C (HMSN2C). Also called: Charcot-Marie-Tooth Disease Type 2, TRPV4-Related (CMT2C); CHARCOT-MARIE-TOOTH DISEASE, AXONAL, AUTOSOMAL DOMINANT, TYPE 2C; Charcot-Marie-Tooth Neuropathy Type 2C. Identifiers: Orphanet 99937, MedGen C1853710, MONDO:0011633, OMIM 606071.

Allele frequency attached by ClinVar (database versions not stated): gnomAD 0.00001; TOPMed 0.00001; gnomAD exomes 0.00002; ExAC 0.00003; ESP Exome Variant Server 0.00008.
gnomAD v4.1: 17 of 1,613,710 alleles (0.0011%); highest among the groups gnomAD compares: South Asian, 0.0022%; no homozygotes.

Submissions (3):

Ambry Genetics
Classification: Uncertain significance for Inborn genetic diseases. Last evaluated: 2025-08-26. Review status: criteria provided, single submitter. Criteria: Ambry Variant Classification Scheme 2023. Collection method: clinical testing. Allele origin: germline.

Revvity Omics, Revvity
Classification: Uncertain significance. Last evaluated: 2025-03-11. Review status: criteria provided, single submitter. Criteria: ACMG Guidelines, 2015. Collection method: clinical testing. Allele origin: germline.

Labcorp Genetics (formerly Invitae), Labcorp
Classification: Uncertain significance for Charcot-Marie-Tooth disease axonal type 2C. Last evaluated: 2024-08-11. Review status: criteria provided, single submitter. Criteria: Invitae Variant Classification Sherloc (09022015). Collection method: clinical testing. Allele origin: germline.
Comment: This sequence change replaces arginine, which is basic and polar, with cysteine, which is neutral and slightly polar, at codon 446 of the TRPV4 protein (p.Arg446Cys). This variant is present in population databases (rs145900289, gnomAD 0.006%). This variant has not been reported in the literature in individuals affected with TRPV4-related conditions. ClinVar contains an entry for this variant (Variation ID: 1024602). Advanced modeling of protein sequence and biophysical properties (such as structural, functional, and spatial information, amino acid conservation, physicochemical variation, residue mobility, and thermodynamic stability) has been performed at Invitae for this missense variant, however the output from this modeling did not meet the statistical confidence thresholds required to predict the impact of this variant on TRPV4 protein function. In summary, the available evidence is currently insufficient to determine the role of this variant in disease. Therefore, it has been classified as a Variant of Uncertain Significance.

NM_021625.5(TRPV4):c.1336C>T (p.Arg446Cys)

Gene: TRPV4 (transient receptor potential cation channel subfamily V member 4; minus strand). Cytogenetic location: 12q24.11.
Variant type: single nucleotide variant.
Coding change: c.1336C>T on transcript NM_021625.5 (MANE Select); coding-DNA position 1336, C replaced by T.
Protein change: p.Arg446Cys; replaces arginine 446 with cysteine.
Molecular consequence: missense variant.
Genome position (GRCh38, 1-based): chr12:109,794,484, G>A on the plus strand (C>T on the coding strand, the complement: TRPV4 is on the minus strand). VCF-style: chr12-109794484-G-A. GRCh37 (hg19) VCF-style: chr12-110232289-G-A.
Other names: c.1195C>T, p.Arg399Cys (NM_001177428.2); c.1234C>T, p.Arg412Cys (NM_001177431.2); c.1015C>T, p.Arg339Cys (NM_001177433.2); c.1156C>T, p.Arg386Cys (NM_147204.3); short protein forms R339C, R386C, R399C, R412C, R446C.
Identifiers: ClinVar variation 1024602 (VCV001024602.10), dbSNP rs145900289, ClinGen allele CA6780266.
Genomic context (GRCh38, chr12:109,794,484, plus strand): 5'-ACTTGCGCCACTTGTCCCGCAGCAGTTCATTGATGGGCTCCACAGCCAGCATCTCGTGGC[G>A]GTTCTAAGAGAGGCAGGGTGGTCGGGGGCTGCCTTCCTGAGATGGGTGGGGGGTCCAGGC-3'
Protein context (NP_067638.3, residues 436-456): ILVYNSKIEN[Arg446Cys]HEMLAVEPIN